The following is an entry in ClinVar:

ClinVar aggregate classification (germline): Uncertain significance (1 of 4 stars; one submission).

Conditions:
Perlman syndrome (PRLMNS). Identifiers: Orphanet 2849, MedGen C0796113, MONDO:0009965, OMIM 267000.

Allele frequency attached by ClinVar (database versions not stated): gnomAD exomes below 0.00001 and 0.00001; ExAC 0.00001; gnomAD 0.00001; TOPMed 0.00001.
gnomAD v4.1: 3 of 1,613,556 alleles (0.00019%); highest among the groups gnomAD compares: Admixed American, 0.0033%; no homozygotes.

Submission:

Labcorp Genetics (formerly Invitae), Labcorp
Classification: Uncertain significance for Perlman syndrome. Last evaluated: 2023-06-21. Review status: criteria provided, single submitter. Criteria: Invitae Variant Classification Sherloc (09022015). Collection method: clinical testing. Allele origin: germline.
Comment: This sequence change replaces aspartic acid, which is acidic and polar, with asparagine, which is neutral and polar, at codon 391 of the DIS3L2 protein (p.Asp391Asn). This variant is present in population databases (rs778983008, gnomAD 0.003%). In summary, the available evidence is currently insufficient to determine the role of this variant in disease. Therefore, it has been classified as a Variant of Uncertain Significance. Experimental studies have shown that this missense change affects DIS3L2 function (PMID: 23756462, 24141620, 27431325). Advanced modeling of protein sequence and biophysical properties (such as structural, functional, and spatial information, amino acid conservation, physicochemical variation, residue mobility, and thermodynamic stability) performed at Invitae indicates that this missense variant is expected to disrupt DIS3L2 protein function. ClinVar contains an entry for this variant (Variation ID: 657516). This variant has not been reported in the literature in individuals affected with DIS3L2-related conditions.

Literature cited by the submitters: PubMed 23756462; PubMed 24141620; PubMed 27431325.

NM_152383.5(DIS3L2):c.1171G>A (p.Asp391Asn)

Gene: DIS3L2 (DIS3 like 3'-5' exoribonuclease 2; plus strand). Cytogenetic location: 2q37.1.
Variant type: single nucleotide variant.
Coding change: c.1171G>A on transcript NM_152383.5 (MANE Select); coding-DNA position 1171, G replaced by A.
Protein change: p.Asp391Asn; replaces aspartic acid 391 with asparagine.
Molecular consequence: missense variant. On other transcripts: non-coding transcript variant (2).
Genome position (GRCh38, 1-based): chr2:232,210,372, G>A. VCF-style: chr2-232210372-G-A. GRCh37 (hg19) VCF-style: chr2-233075082-G-A.
Other names: c.1171G>A, p.Asp391Asn (NM_001257281.2); short protein forms D391N.
Identifiers: ClinVar variation 657516 (VCV000657516.8), dbSNP rs778983008, ClinGen allele CA2164056.